The following is an entry in ClinVar:

ClinVar aggregate classification (germline): Uncertain significance. Review status: criteria provided, multiple submitters, no conflicts (2 of 4 stars). 2 submissions from 2 submitters: Uncertain significance (2). Last evaluated 2025-11-05.

Conditions:
Hereditary cancer-predisposing syndrome. Also called: Neoplastic Syndromes, Hereditary; Hereditary Cancer Syndrome; Hereditary neoplastic syndrome; Tumor predisposition. Identifiers: Orphanet 140162, MedGen C0027672, MeSH D009386, MONDO:0015356.
Pheochromocytoma/paraganglioma syndrome 4. Also called: CAROTID BODY TUMORS AND MULTIPLE EXTRAADRENAL PHEOCHROMOCYTOMAS; SDHB-Related Hereditary Paraganglioma-Pheochromocytoma Syndrome; Paragangliomas 4; SDHB-Related Hereditary Paraganglioma-Pheochromocytoma Syndrome (Paragangliomas 4); PARAGANGLIOMA, FAMILIAL MALIGNANT; PARAGANGLIOMAS, HEREDITARY EXTRAADRENAL. Identifiers: Orphanet 29072, MedGen C1861848, MONDO:0007273, OMIM 115310.
Gastrointestinal stromal tumor. Also called: Gastrointestinal stromal tumor, somatic; Gastrointestinal stroma tumor. Identifiers: Orphanet 44890, MedGen C0238198, MeSH D046152, MONDO:0011719, OMIM 606764, HP:0100723.
Pheochromocytoma. Also called: MAX-Related Hereditary Paraganglioma-Pheochromocytoma Syndrome. Identifiers: Orphanet 29072, MedGen C0031511, MONDO:0008233, OMIM 171300, HP:0002666.

Allele frequency attached by ClinVar (database versions not stated): TOPMed below 0.00001.

Submissions (2):

Labcorp Genetics (formerly Invitae), Labcorp
Classification: Uncertain significance for Gastrointestinal stromal tumor; Pheochromocytoma/paraganglioma syndrome 4; Pheochromocytoma. Last evaluated: 2025-11-05. Review status: criteria provided, single submitter. Criteria: Invitae Variant Classification Sherloc (09022015). Collection method: clinical testing. Allele origin: germline.
Comment: This sequence change replaces serine, which is neutral and polar, with asparagine, which is neutral and polar, at codon 193 of the SDHB protein (p.Ser193Asn). This variant is not present in population databases (gnomAD no frequency). This variant has not been reported in the literature in individuals affected with SDHB-related conditions. ClinVar contains an entry for this variant (Variation ID: 1011544). Invitae Evidence Modeling of protein sequence and biophysical properties (such as structural, functional, and spatial information, amino acid conservation, physicochemical variation, residue mobility, and thermodynamic stability) indicates that this missense variant is expected to disrupt SDHB protein function with a positive predictive value of 80%. In summary, the available evidence is currently insufficient to determine the role of this variant in disease. Therefore, it has been classified as a Variant of Uncertain Significance.

Ambry Genetics
Classification: Uncertain significance for Hereditary cancer-predisposing syndrome. Last evaluated: 2024-06-03. Review status: criteria provided, single submitter. Criteria: Ambry Variant Classification Scheme 2023. Collection method: clinical testing. Allele origin: germline.
Comment: The p.S193N variant (also known as c.578G>A), located in coding exon 6 of the SDHB gene, results from a G to A substitution at nucleotide position 578. The serine at codon 193 is replaced by asparagine, an amino acid with highly similar properties. This amino acid position is highly conserved in available vertebrate species. In addition, this alteration is predicted to be deleterious by in silico analysis. Since supporting evidence is limited at this time, the clinical significance of this alteration remains unclear.

Literature cited by the submitters: PubMed 27819762 (cited by Ambry Genetics).

NM_003000.3(SDHB):c.578G>A (p.Ser193Asn)

Gene: SDHB (succinate dehydrogenase complex iron sulfur subunit B; minus strand). Cytogenetic location: 1p36.13.
Variant type: single nucleotide variant.
Coding change: c.578G>A on transcript NM_003000.3 (MANE Select); coding-DNA position 578, G replaced by A.
Protein change: p.Ser193Asn; replaces serine 193 with asparagine.
Molecular consequence: missense variant.
Genome position (GRCh38, 1-based): chr1:17,024,037, C>T on the plus strand (G>A on the coding strand, the complement: SDHB is on the minus strand). VCF-style: chr1-17024037-C-T. GRCh37 (hg19) VCF-style: chr1-17350532-C-T.
Other names: short protein forms S193N.
Identifiers: ClinVar variation 1011544 (VCV001011544.8), dbSNP rs2077978395, ClinGen allele CA338271208.